The following is an entry in ClinVar:

NM_019109.5(ALG1):c.77G>A (p.Trp26Ter)

Genes: ALG1 (ALG1 chitobiosyldiphosphodolichol beta-mannosyltransferase; plus strand), LOC130058383 (ATAC-STARR-seq lymphoblastoid active region 10348; plus strand). Cytogenetic location: 16p13.3.
Variant type: single nucleotide variant.
Coding change: c.77G>A on transcript NM_019109.5 (MANE Select); coding-DNA position 77, G replaced by A.
Protein change: p.Trp26Ter; replaces tryptophan 26 with a stop codon.
Molecular consequence: nonsense.
Genome position (GRCh38, 1-based): chr16:5,071,926, G>A. VCF-style: chr16-5071926-G-A. GRCh37 (hg19) VCF-style: chr16-5121927-G-A.
Other names: c.77G>A, p.Trp26Ter (NM_001438123.1); short protein forms W26*.
Identifiers: ClinVar variation 4531611 (VCV004531611.1).

ClinVar aggregate classification (germline): Pathogenic (1 of 4 stars; one submission).

Conditions:
ALG1-congenital disorder of glycosylation. Also called: ALG1-CDG; CONGENITAL DISORDER OF GLYCOSYLATION, TYPE Ik; CDG Ik. Identifiers: Orphanet 79327, MedGen C2931005, MONDO:0012052, OMIM 608540.

gnomAD v4.1: 3 of 1,591,532 alleles (0.00019%); highest among the groups gnomAD compares: East Asian, 0.0069%; no homozygotes.

Submission:

Victorian Clinical Genetics Services, Murdoch Childrens Research Institute
Classification: Pathogenic for ALG1-congenital disorder of glycosylation. Last evaluated: 2025-09-18. Review status: criteria provided, single submitter. Criteria: ACMG Guidelines, 2015. Collection method: clinical testing. Allele origin: germline.
Comment: This variant is classified as Pathogenic. Evidence in support of pathogenic classification: Variant is predicted to result in a truncated protein (premature termination codon is located within the first 102 nucleotides of the coding sequence and is predicted to escape nonsense-mediated decay); Variant is present in gnomAD <0.01 for a recessive condition (v4: 3 heterozygote(s), 0 homozygote(s)); This variant has limited previous evidence of pathogenicity in an unrelated individual(s). This variant has been reported in a compound heterozygous individual with ALG1-related symptoms (PMID: 33176815); Other 5' protein truncating variant(s) comparable to the one identified in this case have strong previous evidence for pathogenicity (DECIPHER). Additional information: This variant is heterozygous; This gene is associated with autosomal recessive disease; No published evidence of segregation with disease has been identified for this variant; No published functional evidence has been identified for this variant; Loss of function is a known mechanism of disease in this gene and is associated with type Ik congenital disorder of glycosylation (MIM#608540).

Literature cited by the submitters: PubMed 33176815.